The following is an entry in ClinVar:

ClinVar aggregate classification (germline): Uncertain significance (1 of 4 stars; one submission).

Conditions:
Hereditary spastic paraplegia. Also called: Familial spastic paraparesis. Identifiers: Orphanet 685, MedGen C0037773, MONDO:0019064. Disease mechanism: loss of function.

Allele frequency attached by ClinVar (database versions not stated): gnomAD 0.00001; gnomAD exomes 0.00001; TOPMed 0.00001; ExAC 0.00002.
gnomAD v4.1: 11 of 1,610,532 alleles (0.00068%); highest among the groups gnomAD compares: East Asian, 0.0067%; no homozygotes.

Submission:

Labcorp Genetics (formerly Invitae), Labcorp
Classification: Uncertain significance for Hereditary spastic paraplegia. Last evaluated: 2022-08-19. Review status: criteria provided, single submitter. Criteria: Invitae Variant Classification Sherloc (09022015). Collection method: clinical testing. Allele origin: germline.
Comment: This sequence change replaces arginine, which is basic and polar, with glutamine, which is neutral and polar, at codon 1112 of the USP8 protein (p.Arg1112Gln). This variant is present in population databases (rs748213555, gnomAD 0.005%). This variant has not been reported in the literature in individuals affected with USP8-related conditions. Algorithms developed to predict the effect of missense changes on protein structure and function are either unavailable or do not agree on the potential impact of this missense change (SIFT: "Tolerated"; PolyPhen-2: "Probably Damaging"; Align-GVGD: "Class C0"). In summary, the available evidence is currently insufficient to determine the role of this variant in disease. Therefore, it has been classified as a Variant of Uncertain Significance.

NM_005154.5(USP8):c.3335G>A (p.Arg1112Gln)

Genes: USP8 (ubiquitin specific peptidase 8; plus strand), USP50 (ubiquitin specific peptidase 50; minus strand). Cytogenetic location: 15q21.2.
Variant type: single nucleotide variant.
Coding change: c.3335G>A on transcript NM_005154.5 (MANE Select); coding-DNA position 3335, G replaced by A.
Protein change: p.Arg1112Gln; replaces arginine 1112 with glutamine.
Molecular consequence: missense variant.
Genome position (GRCh38, 1-based): chr15:50,499,066, G>A. VCF-style: chr15-50499066-G-A. GRCh37 (hg19) VCF-style: chr15-50791263-G-A.
Other names: c.3335G>A, p.Arg1112Gln (NM_001128610.3); c.3017G>A, p.Arg1006Gln (NM_001283049.2); short protein forms R1006Q, R1112Q.
Identifiers: ClinVar variation 2146863 (VCV002146863.4), dbSNP rs748213555, ClinGen allele CA7556211.